The following is an entry in ClinVar:

NM_000077.5(CDKN2A):c.322G>A (p.Asp108Asn)

Gene: CDKN2A (cyclin dependent kinase inhibitor 2A; minus strand). Cytogenetic location: 9p21.3.
Variant type: single nucleotide variant.
Coding change: c.322G>A on transcript NM_000077.5; coding-DNA position 322, G replaced by A.
Protein change: p.Asp108Asn; replaces aspartic acid 108 with asparagine.
Molecular consequence: missense variant (on NM_000077.6). On other transcripts: 3 prime UTR variant (1).
Genome position (GRCh38, 1-based): chr9:21,971,037, C>T on the plus strand (G>A on the coding strand, the complement: CDKN2A is on the minus strand). VCF-style: chr9-21971037-C-T. GRCh37 (hg19) VCF-style: chr9-21971036-C-T.
Other names: c.322G>A, p.Asp108Asn (NM_000077.6, NM_001195132.2); c.169G>A, p.Asp57Asn (NM_001363763.2); c.365G>A, p.Arg122Gln (NM_058195.4); c.*245G>A (NM_058197.5); short protein forms D108N, R122Q, D57N.
Identifiers: ClinVar variation 216275 (VCV000216275.21), dbSNP rs121913381, ClinGen allele CA338052.

ClinVar aggregate classification (germline): Conflicting classifications of pathogenicity. Review status: criteria provided, conflicting classifications (1 of 4 stars). 4 submissions from 4 submitters: Pathogenic (1); Likely pathogenic (1); Uncertain significance (2). Last evaluated 2025-04-16.

Conditions:
Familial melanoma. Also called: Hereditary melanoma; Hereditary cutaneous melanoma. Identifiers: Orphanet 618, MedGen C1512419, MONDO:0018961.
Hereditary cancer-predisposing syndrome. Also called: Neoplastic Syndromes, Hereditary; Tumor predisposition; Hereditary Cancer Syndrome; Hereditary neoplastic syndrome. Identifiers: Orphanet 140162, MedGen C0027672, MeSH D009386, MONDO:0015356.

Submissions (4):

Ambry Genetics
Classification: Likely pathogenic for Hereditary cancer-predisposing syndrome. Last evaluated: 2025-04-16. Review status: criteria provided, single submitter. Criteria: Ambry Variant Classification Scheme 2023. Collection method: clinical testing. Allele origin: germline.
Comment: The p.D108N variant (also known as c.322G>A), located in coding exon 2 of the CDKN2A gene, results from a G to A substitution at nucleotide position 322. The aspartic acid at codon 108 is replaced by asparagine, an amino acid with highly similar properties. This variant has been detected in multiple familial melanoma cohorts; however, in one family two of the four affected members did not carry the variant, and in another family one member also carried another pathogenic variant CDKN2A p.M53T (Flores JF et al. Oncogene. 1997 Dec;15:2999-3005; Aitken J et al. J. Natl. Cancer Inst. 1999 Mar;91:446-52; Bishop DT et al. J. Natl. Cancer Inst. 2002 Jun;94:894-903; Begg CB et al. J. Natl. Cancer Inst. 2005 Oct;97:1507-15; Goldstein AM et al. Cancer Res. 2006 Oct;66:9818-28; Berwick M et al. Cancer Epidemiol. Biomarkers Prev. 2006 Aug;15:1520-5; Orlow I et al. J. Invest. Dermatol. 2007 May;127:1234-43; Goldstein AM et al. J. Med. Genet. 2007 Feb;44:99-106; Huot TJ et al. Mol. Cell. Biol. 2002 Dec;22:8135-43; Miller PJ et al. Hum. Mutat. 2011 Aug;32:900-11). Two functional studies agree that this variant has an intermediate defect in binding to CDK4, however, they disagree about whether there is a defect in CDK6 binding (Huot TJ et al. Mol. Cell. Biol. 2002 Dec;22:8135-43; Hallett ST et al. Cell Rep. 2017 Oct;21:1386-1398). One of these studies also reports that this variant causes a significant reduction in protein stability, however, this concept was not recapitulated in other functional studies with tagged-exogenous material (Hallett ST et al. Cell Rep. 2017 Oct;21:1386-1398; Huot TJ et al. Mol. Cell. Biol. 2002 Dec;22:8135-43, respectively). Lastly, another functional study showed that cell cycle arrest was not affected by this variant (Miller PJ et al. Hum. Mutat. 2011 Aug;32:900-11). CDKN2A p.D108N sits at the interface with other binding partners, including CDK4/6 and it is anticipated to result in a decrease in protein-protein interactions (Russo AA et al. Nature. 1998 Sep;395:237-43; Ambry internal data). This variant is considered to be rare based on population cohorts in the Genome Aggregation Database (gnomAD). This amino acid position is highly conserved in available vertebrate species. In addition, the in silico prediction for this alteration is inconclusive. Based on the majority of available evidence to date, this variant is likely to be pathogenic.

Labcorp Genetics (formerly Invitae), Labcorp
Classification: Pathogenic for Familial melanoma. Last evaluated: 2025-01-23. Review status: criteria provided, single submitter. Criteria: Invitae Variant Classification Sherloc (09022015). Collection method: clinical testing. Allele origin: germline.
Comment: The CDKN2A gene encodes two different proteins, p16INK4a and p14ARF, which are translated from alternative transcripts with different open reading frames. Both transcripts have been analyzed. We report either the variant with the higher classification or default to the CDKN2A (p16INK4a) variant. This report therefore includes the details for the CDKN2A (p16INK4a) variant. This sequence change replaces aspartic acid, which is acidic and polar, with asparagine, which is neutral and polar, at codon 108 of the CDKN2A (p16INK4a) protein (p.Asp108Asn). This variant is not present in population databases (gnomAD no frequency). This missense change has been observed in individuals with melanoma (PMID: 9416844, 16234564, 21462282; internal data). It has also been observed to segregate with disease in related individuals. This variant is also known as c.365G>A (p.Arg122Gln) in the CDKN2A (p14ARF) transcript. ClinVar contains an entry for this variant (Variation ID: 216275). An algorithm developed to predict the effect of missense changes on protein structure and function (PolyPhen-2) suggests that this variant is likely to be disruptive. Experimental studies have shown that this missense change affects CDKN2A (p16INK4a) function (PMID: 12417717, 21462282, 29091774). For these reasons, this variant has been classified as Pathogenic.

Color Diagnostics, LLC DBA Color Health
Classification: Uncertain significance for Hereditary cancer-predisposing syndrome. Last evaluated: 2019-05-23. Review status: criteria provided, single submitter. Criteria: ACMG Guidelines, 2015. Collection method: clinical testing. Allele origin: germline.

GeneDx
Classification: Uncertain significance. Last evaluated: 2015-04-06. Review status: criteria provided, single submitter. Criteria: GeneDx Variant Classification (06012015). Collection method: clinical testing. Allele origin: germline. Affected: yes.
Comment: This variant is denoted CDKN2A c.322G>A at the cDNA level, p.Asp108Asn (D108N) at the protein level, and results in the change of an Aspartic Acid to an Asparagine (GAT>AAT). This variant has been reported in several high-risk melanoma families (Flores 1997, Bishop 2002, Begg 2005, Goldstein 2006, Goldstein 2007, Aoude 2015). Additionally, Huot et al. (2002) identified CDKN2A Asp108Asn in an individual found to harbor a second CDKN2A variant (suspected biallelic). While an in vitro assay completed by Huot et al. (2002) showed that this variant results in a reduced ability to bind CDK4 and CDK6 compared to wild-type, another in vitro assay completed by Miller et al. (2011) showed the this variants retains cell cycle arrest function comparable to wild-type. CDKN2A Asp108Asn was not observed in approximately 6,500 individuals of European and African American ancestry in the NHLBI Exome Sequencing Project, indicating it is not a common benign variant in these populations. Since Aspartic Acid and Asparagine differ in some properties, this is considered a semi-conservative amino acid substitution. CDKN2A Asp108Asn occurs at a position that is conserved across species and is not located in a known functional domain (UniProt). In silico analyses are inconsistent regarding the effect this variant may have on protein structure and function. Based on currently available information, it is unclear whether CDKN2A Asp108Asn is pathogenic or benign. We consider it to be a variant of uncertain significance.

Literature cited by the submitters: PubMed 10070944 (cited by Ambry Genetics); PubMed 12072543 (cited by Ambry Genetics); PubMed 12417717 (cited by Ambry Genetics and Labcorp Genetics (formerly Invitae), Labcorp); PubMed 16234564 (cited by Ambry Genetics and Labcorp Genetics (formerly Invitae), Labcorp); PubMed 16896043 (cited by Ambry Genetics); PubMed 16905682 (cited by Ambry Genetics); PubMed 17047042 (cited by Ambry Genetics); PubMed 17218939 (cited by Ambry Genetics); PubMed 21462282 (cited by Ambry Genetics and Labcorp Genetics (formerly Invitae), Labcorp); PubMed 29091774 (cited by Ambry Genetics and Labcorp Genetics (formerly Invitae), Labcorp); PubMed 7777061 (cited by Ambry Genetics); PubMed 9416844 (cited by Ambry Genetics and Labcorp Genetics (formerly Invitae), Labcorp); PubMed 9751050 (cited by Ambry Genetics).